The following is an entry in ClinVar:

NM_001194.4(HCN2):c.2167G>A (p.Val723Ile)

Gene: HCN2 (hyperpolarization activated cyclic nucleotide gated potassium and sodium channel 2; plus strand). Cytogenetic location: 19p13.3.
Variant type: single nucleotide variant.
Coding change: c.2167G>A on transcript NM_001194.4 (MANE Select); coding-DNA position 2167, G replaced by A.
Protein change: p.Val723Ile; replaces valine 723 with isoleucine.
Molecular consequence: missense variant.
Genome position (GRCh38, 1-based): chr19:615,971, G>A. VCF-style: chr19-615971-G-A. GRCh37 (hg19) VCF-style: chr19-615971-G-A.
Other names: short protein forms V723I.
Identifiers: ClinVar variation 391673 (VCV000391673.3), dbSNP rs753793346, ClinGen allele CA9018862.

ClinVar aggregate classification (germline): Conflicting classifications of pathogenicity. Review status: criteria provided, conflicting classifications (1 of 4 stars). 2 submissions from 2 submitters: Uncertain significance (1); Likely benign (1). Last evaluated 2024-10-06.

Conditions:
Inborn genetic diseases. Identifiers: MedGen C0950123, MeSH D030342.

Allele frequency attached by ClinVar (database versions not stated): TOPMed 0.00005; gnomAD exomes 0.00009; ExAC 0.00010.
gnomAD v4.1: 91 of 1,599,874 alleles (0.0057%); highest among the groups gnomAD compares: Non-Finnish European, 0.0071%; no homozygotes.

Submissions (2):

Ambry Genetics
Classification: Likely benign for Inborn genetic diseases. Last evaluated: 2024-10-06. Review status: criteria provided, single submitter. Criteria: Ambry Variant Classification Scheme 2023. Collection method: clinical testing. Allele origin: germline.

GeneDx
Classification: Uncertain significance. Last evaluated: 2018-05-18. Review status: criteria provided, single submitter. Criteria: GeneDx Variant Classification (06012015). Collection method: clinical testing. Allele origin: germline. Affected: yes.
Comment: The V723I variant in the HCN2 gene has not been reported previously as a pathogenic variant, nor as a benign variant, to our knowledge. The V723I variant was not observed with any significant frequency in the Exome Aggregation Consortium (ExAC) data set, indicating it is not a common benign variant (Lek et al., 2016). The V723I variant is a conservative amino acid substitution, which is not likely to impact secondary protein structure as these residues share similar properties. This substitution occurs at a position where amino acids with similar properties to Valine are tolerated across species. In silico analysis is inconsistent in its predictions as to whether or not the variant is damaging to the protein structure/function. We interpret V723I as a variant of uncertain significance.